The following is an entry in ClinVar:

NM_001041.4(SI):c.4963C>T (p.Arg1655Trp)

Gene: SI (sucrase-isomaltase; minus strand). Cytogenetic location: 3q26.1.
Variant type: single nucleotide variant.
Coding change: c.4963C>T on transcript NM_001041.4 (MANE Select); coding-DNA position 4963, C replaced by T.
Protein change: p.Arg1655Trp; replaces arginine 1655 with tryptophan.
Molecular consequence: missense variant.
Genome position (GRCh38, 1-based): chr3:164,992,197, G>A on the plus strand (C>T on the coding strand, the complement: SI is on the minus strand). VCF-style: chr3-164992197-G-A. GRCh37 (hg19) VCF-style: chr3-164709985-G-A.
Other names: short protein forms R1655W.
Identifiers: ClinVar variation 1495460 (VCV001495460.9), dbSNP rs760505676, ClinGen allele CA2689718.

ClinVar aggregate classification (germline): Uncertain significance. Review status: criteria provided, multiple submitters, no conflicts (2 of 4 stars). 2 submissions from 2 submitters: Uncertain significance (2). Last evaluated 2021-08-19.

Conditions:
Sucrase-isomaltase deficiency (CSID). Also called: Deficiency of isomaltase; SI DEFICIENCY; Congenital sucrose isomaltose malabsorption; Sucrose isomaltose enzyme deficiency. Identifiers: Orphanet 35122, MedGen C1283620, MONDO:0009114, OMIM 222900.

Allele frequency attached by ClinVar (database versions not stated): gnomAD exomes below 0.00001; ExAC 0.00001.
gnomAD v4.1: 5 of 1,611,494 alleles (0.00031%); highest among the groups gnomAD compares: South Asian, 0.0011%; no homozygotes.

Submissions (2):

Fulgent Genetics
Classification: Uncertain significance for Sucrase-isomaltase deficiency. Last evaluated: 2021-08-19. Review status: criteria provided, single submitter. Criteria: ACMG Guidelines, 2015. Collection method: clinical testing. Allele origin: unknown.

Labcorp Genetics (formerly Invitae), Labcorp
Classification: Uncertain significance. Last evaluated: 2021-06-24. Review status: criteria provided, single submitter. Criteria: Invitae Variant Classification Sherloc (09022015). Collection method: clinical testing. Allele origin: germline.
Comment: This sequence change replaces arginine with tryptophan at codon 1655 of the SI protein (p.Arg1655Trp). The arginine residue is highly conserved and there is a moderate physicochemical difference between arginine and tryptophan. This variant is present in population databases (rs760505676, ExAC 0.001%). This variant has not been reported in the literature in individuals with SI-related conditions. Advanced modeling of protein sequence and biophysical properties (such as structural, functional, and spatial information, amino acid conservation, physicochemical variation, residue mobility, and thermodynamic stability) performed at Invitae indicates that this missense variant is expected to disrupt SI protein function. In summary, the available evidence is currently insufficient to determine the role of this variant in disease. Therefore, it has been classified as a Variant of Uncertain Significance.